The following is an entry in ClinVar:

ClinVar aggregate classification (germline): Conflicting classifications of pathogenicity. Review status: criteria provided, conflicting classifications (1 of 4 stars). 6 submissions from 6 submitters: Uncertain significance (4); Benign (1); Likely benign (1). Last evaluated 2026-02-02.

Conditions:
Tuberous sclerosis 2 (TSC2). Identifiers: Orphanet 805, MedGen C1860707, MONDO:0013199, OMIM 613254.
Lymphangiomyomatosis (LAM). Also called: Lymphangioleiomyomatosis, somatic; Lymphangioleiomyomatosis. Identifiers: Orphanet 538, MedGen C0751674, MONDO:0011705, OMIM 606690.
Isolated focal cortical dysplasia type II (FCORD2). Also called: CORTICAL DYSPLASIA OF TAYLOR; Focal cortical dysplasia type II. Identifiers: Orphanet 268994, MedGen C1846385, MONDO:0011818, OMIM 607341, HP:0032051.
Hereditary cancer-predisposing syndrome. Also called: Neoplastic Syndromes, Hereditary; Hereditary Cancer Syndrome; Hereditary neoplastic syndrome; Tumor predisposition. Identifiers: Orphanet 140162, MedGen C0027672, MeSH D009386, MONDO:0015356.
Tuberous sclerosis syndrome (TSC). Also called: Tuberous sclerosis; Tuberous Sclerosis Complex. Identifiers: Orphanet 805, MedGen C0041341, MONDO:0001734.

Allele frequency attached by ClinVar (database versions not stated): gnomAD 0.00001; gnomAD exomes 0.00001; TOPMed 0.00001.
gnomAD v4.1: 10 of 1,612,540 alleles (0.00062%); highest among the groups gnomAD compares: African/African-American, 0.0013%; no homozygotes.

Submissions (6):

Labcorp Genetics (formerly Invitae), Labcorp
Classification: Benign for Tuberous sclerosis 2. Last evaluated: 2026-02-02. Review status: criteria provided, single submitter. Criteria: Invitae Variant Classification Sherloc (09022015). Collection method: clinical testing. Allele origin: germline.

All of Us Research Program, National Institutes of Health
Classification: Uncertain significance for Tuberous sclerosis syndrome. Last evaluated: 2024-06-11. Review status: criteria provided, single submitter. Criteria: ACMG Guidelines, 2015. Collection method: clinical testing. Allele origin: germline. Inheritance: Autosomal dominant inheritance. Observed: 4 variant alleles, 4 heterozygotes.
Comment: This missense variant replaces proline with serine at codon 1263 of the TSC2 protein. Computational prediction suggests that this variant may not impact protein structure and function (internally defined REVEL score threshold <= 0.5, PMID: 27666373). To our knowledge, functional studies have not been reported for this variant. This variant has not been reported in individuals affected with tuberous sclerosis complex in the literature. This variant has been identified in 2/249934 chromosomes in the general population by the Genome Aggregation Database (gnomAD). The available evidence is insufficient to determine the role of this variant in disease conclusively. Therefore, this variant is classified as a Variant of Uncertain Significance.

This study involves interpretation of variants in research participants for the purpose of population health screening. Participant phenotype was not available at the time of variant classification. Additional details can be found in publication PMID: 35346344, PMCID: PMC8962531

Ambry Genetics
Classification: Likely benign for Hereditary cancer-predisposing syndrome. Last evaluated: 2024-02-12. Review status: criteria provided, single submitter. Criteria: Ambry Variant Classification Scheme 2023. Collection method: clinical testing. Allele origin: germline.

Color Diagnostics, LLC DBA Color Health
Classification: Uncertain significance for Tuberous sclerosis syndrome. Last evaluated: 2024-02-04. Review status: criteria provided, single submitter. Criteria: ACMG Guidelines, 2015. Collection method: clinical testing. Allele origin: germline.
Comment: This missense variant replaces proline with serine at codon 1263 of the TSC2 protein. Computational prediction suggests that this variant may not impact protein structure and function. To our knowledge, functional studies have not been reported for this variant. This variant has not been reported in individuals affected with tuberous sclerosis complex in the literature. This variant has been identified in 2/249934 chromosomes in the general population by the Genome Aggregation Database (gnomAD). The available evidence is insufficient to determine the role of this variant in disease conclusively. Therefore, this variant is classified as a Variant of Uncertain Significance.

GeneDx
Classification: Uncertain significance. Last evaluated: 2023-05-24. Review status: criteria provided, single submitter. Criteria: GeneDx Variant Classification Process June 2021. Collection method: clinical testing. Allele origin: germline. Affected: yes.
Comment: In silico analysis supports that this missense variant has a deleterious effect on protein structure/function; Has not been previously published as pathogenic or benign to our knowledge

Fulgent Genetics
Classification: Uncertain significance for Lymphangiomyomatosis; Isolated focal cortical dysplasia type II; Tuberous sclerosis 2. Last evaluated: 2021-08-11. Review status: criteria provided, single submitter. Criteria: ACMG Guidelines, 2015. Collection method: clinical testing. Allele origin: unknown.

NM_000548.5(TSC2):c.3787C>T (p.Pro1263Ser)

Gene: TSC2 (TSC complex subunit 2; plus strand). Cytogenetic location: 16p13.3.
Variant type: single nucleotide variant.
Coding change: c.3787C>T on transcript NM_000548.5 (MANE Select); coding-DNA position 3787, C replaced by T.
Protein change: p.Pro1263Ser; replaces proline 1263 with serine.
Molecular consequence: missense variant.
Genome position (GRCh38, 1-based): chr16:2,081,771, C>T. VCF-style: chr16-2081771-C-T. GRCh37 (hg19) VCF-style: chr16-2131772-C-T.
Other names: c.3655C>T, p.Pro1219Ser (NM_001077183.3, NM_001370404.1); c.3787C>T, p.Pro1263Ser (NM_001114382.3); c.3547C>T, p.Pro1183Ser (NM_001318827.2); c.3511C>T, p.Pro1171Ser (NM_001318829.2); c.3055C>T, p.Pro1019Ser (NM_001318831.2); c.3688C>T, p.Pro1230Ser (NM_001318832.2); c.3658C>T, p.Pro1220Ser (NM_001363528.2, NM_001370405.1, NM_021055.3); short protein forms P1183S, P1219S, P1263S, P1171S, P1220S, P1019S, P1230S.
Identifiers: ClinVar variation 641062 (VCV000641062.14), dbSNP rs1233661099, ClinGen allele CA394293465.